The following is an entry in ClinVar:

ClinVar aggregate classification (germline): Uncertain significance (1 of 4 stars; one submission).

Conditions:
Early Myoclonic Encephalopathy. Identifiers: MedGen C0270855.

Allele frequency attached by ClinVar (database versions not stated): gnomAD exomes 0.00001; TOPMed below 0.00001; ExAC 0.00001.
gnomAD v4.1: 4 of 1,612,870 alleles (0.00025%); highest among the groups gnomAD compares: Non-Finnish European, 0.00034%; no homozygotes.

Submission:

Labcorp Genetics (formerly Invitae), Labcorp
Classification: Uncertain significance for Early Myoclonic Encephalopathy. Last evaluated: 2025-07-23. Review status: criteria provided, single submitter. Criteria: Invitae Variant Classification Sherloc (09022015). Collection method: clinical testing. Allele origin: germline.
Comment: This sequence change replaces glutamine, which is neutral and polar, with arginine, which is basic and polar, at codon 590 of the KCND2 protein (p.Gln590Arg). This variant is present in population databases (rs766118762, gnomAD 0.0009%). This variant has not been reported in the literature in individuals affected with KCND2-related conditions. ClinVar contains an entry for this variant (Variation ID: 2092722). Invitae Evidence Modeling of protein sequence and biophysical properties (such as structural, functional, and spatial information, amino acid conservation, physicochemical variation, residue mobility, and thermodynamic stability) indicates that this missense variant is not expected to disrupt KCND2 protein function with a negative predictive value of 95%. In summary, the available evidence is currently insufficient to determine the role of this variant in disease. Therefore, it has been classified as a Variant of Uncertain Significance.

NM_012281.3(KCND2):c.1769A>G (p.Gln590Arg)

Gene: KCND2 (potassium voltage-gated channel subfamily D member 2; plus strand). Cytogenetic location: 7q31.31.
Variant type: single nucleotide variant.
Coding change: c.1769A>G on transcript NM_012281.3 (MANE Select); coding-DNA position 1769, A replaced by G.
Protein change: p.Gln590Arg; replaces glutamine 590 with arginine.
Molecular consequence: missense variant.
Genome position (GRCh38, 1-based): chr7:120,747,734, A>G. VCF-style: chr7-120747734-A-G. GRCh37 (hg19) VCF-style: chr7-120387788-A-G.
Other names: short protein forms Q590R.
Identifiers: ClinVar variation 2092722 (VCV002092722.4), dbSNP rs766118762, ClinGen allele CA4453757.
Genomic context (GRCh38, chr7:120,747,734, plus strand): 5'-CTATCAGCCGATCCAGTTTAAATGCCAAAATGGAAGAGTGTGTTAAACTAAACTGTGAAC[A>G]ACCTTATGTGACTACAGCAATAATAAGCATCCCAACACCTCCAGTAACCACACCAGAAGG-3'
Protein context (NP_036413.1, residues 580-600): MEECVKLNCE[Gln590Arg]PYVTTAIISI